The following is an entry in ClinVar:

NM_007294.4(BRCA1):c.5075-1143G>A

Gene: BRCA1 (BRCA1 DNA repair associated; minus strand). Cytogenetic location: 17q21.31.
Variant type: single nucleotide variant.
Coding change: c.5075-1143G>A on transcript NM_007294.4 (MANE Select); 1143 bases into the intron before coding-DNA position 5075, G replaced by A.
Molecular consequence: intron variant.
Genome position (GRCh38, 1-based): chr17:43,065,094, C>T on the plus strand (G>A on the coding strand, the complement: BRCA1 is on the minus strand). VCF-style: chr17-43065094-C-T. GRCh37 (hg19) VCF-style: chr17-41217111-C-T.
Other names: IVS 17-1143G>A; c.5075-1143G>A (NM_001407854.1, NM_001407598.1, NM_001407596.1 and 7 more transcripts); c.1550-1143G>A (NM_001408492.1, NM_001408493.1); c.1619-1143G>A (NM_001408468.1, NM_001408470.1, NM_001408469.1); c.4928-1143G>A (NM_001407842.1, NM_001407846.1, NM_001407850.1 and 12 more transcripts); c.4931-1143G>A (NM_001407749.1, NM_001407943.1, NM_001407748.1 and 21 more transcripts); c.1502-1143G>A (NM_001408501.1, NM_001408500.1, NM_001408497.1 and 3 more transcripts); c.1625-1143G>A (NM_001408455.1, NM_001408452.1, NM_001408457.1 and 3 more transcripts); and 74 more.
Identifiers: ClinVar variation 209331 (VCV000209331.2), dbSNP rs8176246, ClinGen allele CA276303.
Genomic context (GRCh38, chr17:43,065,094, plus strand): 5'-GTTAGCCAGGATGGTCTCGATCTCCTGACCTCGTGATCTGCCCGCCTTGGCCCCCCAAAG[C>T]GCTGGGATTACAGGCCTGAGCCACCACGCTTGGCATCTTTTTACCTTTCATTAACTTTGA-3'

ClinVar aggregate classification (germline): Benign (3 of 4 stars; one submission).

Conditions:
Breast-ovarian cancer, familial, susceptibility to, 1 (BROVCA1). Also called: BRCA1 Hereditary Breast and Ovarian Cancer; OVARIAN CANCER, SUSCEPTIBILITY TO. Identifiers: Orphanet 145, MedGen C2676676, MONDO:0011450, OMIM 604370. Disease mechanism: loss of function.

Allele frequency attached by ClinVar (database versions not stated): gnomAD 0.00236 and 0.00305; TOPMed 0.00323; 1000 Genomes Project 30x 0.01093; 1000 Genomes Project 0.01238.
gnomAD v4.1: 456 of 152,174 alleles (0.3%); highest among the groups gnomAD compares: East Asian, 4.5%; 10 homozygotes.

Submission:

Evidence-based Network for the Interpretation of Germline Mutant Alleles (ENIGMA)
Classification: Benign for Breast-ovarian cancer, familial 1. Last evaluated: 2015-01-12. Review status: reviewed by expert panel. Criteria: ENIGMA BRCA1/2 Classification Criteria (2015). Collection method: curation. Allele origin: germline.
Comment: Class 1 not pathogenic based on frequency >1% in an outbred sampleset. Frequency 0.04545 (Asian), derived from 1000 genomes (2012-04-30).